The following is an entry in ClinVar:

NM_004656.4(BAP1):c.376-18T>C

Gene: BAP1 (BRCA1 associated deubiquitinase 1; minus strand). Cytogenetic location: 3p21.1.
Variant type: single nucleotide variant.
Coding change: c.376-18T>C on transcript NM_004656.4 (MANE Select); 18 bases into the intron before coding-DNA position 376, T replaced by C.
Molecular consequence: intron variant.
Genome position (GRCh38, 1-based): chr3:52,407,478, A>G on the plus strand (T>C on the coding strand, the complement: BAP1 is on the minus strand). VCF-style: chr3-52407478-A-G. GRCh37 (hg19) VCF-style: chr3-52441494-A-G.
Other names: c.376-18T>C (NM_001410772.1).
Identifiers: ClinVar variation 2752673 (VCV002752673.4), dbSNP rs1705204514, ClinGen allele CA1364843514.
Genomic context (GRCh38, chr3:52,407,478, plus strand): 5'-CCTTGGCCAACTCCGGGGCATTGCCAATCGCATATCCTTTGCTCTACGGGGAAGAAAATA[A>G]GGCCGTATCAGAATAATTTCTCCTCAGGTAGGACTATGGGTGGAAGGCAAAGCTTCAGAG-3'

ClinVar aggregate classification (germline): Likely benign. Review status: criteria provided, multiple submitters, no conflicts (2 of 4 stars). 2 submissions from 2 submitters: Likely benign (2). Last evaluated 2024-07-12.

Conditions:
BAP1-related tumor predisposition syndrome (TPDS1). Also called: COMMON Syndrome; Tumor susceptibility linked to germline BAP1 mutations; TUMOR PREDISPOSITION SYNDROME 1; BAP1 tumor predisposition syndrome. Identifiers: Orphanet 289539, MedGen C3280492, MONDO:0013692, OMIM 614327.

Allele frequency attached by ClinVar (database versions not stated): TOPMed below 0.00001.

Submissions (2):

Myriad Genetics, Inc.
Classification: Likely benign for BAP1-related tumor predisposition syndrome. Last evaluated: 2024-07-12. Review status: criteria provided, single submitter. Criteria: Myriad Autosomal Dominant, Autosomal Recessive and X-Linked Classification Criteria (2023). Collection method: clinical testing. Allele origin: unknown.
Comment: This variant is considered likely benign. This variant is intronic and is not expected to impact mRNA splicing.

Labcorp Genetics (formerly Invitae), Labcorp
Classification: Likely benign for BAP1-related tumor predisposition syndrome. Last evaluated: 2023-08-16. Review status: criteria provided, single submitter. Criteria: Invitae Variant Classification Sherloc (09022015). Collection method: clinical testing. Allele origin: germline.